The following is an entry in ClinVar:

ClinVar aggregate classification (germline): Uncertain significance (1 of 4 stars; one submission).

Submission:

Labcorp Genetics (formerly Invitae), Labcorp
Classification: Uncertain significance. Last evaluated: 2022-08-08. Review status: criteria provided, single submitter. Criteria: Invitae Variant Classification Sherloc (09022015). Collection method: clinical testing. Allele origin: germline.
Comment: This variant has not been reported in the literature in individuals affected with TYRP1-related conditions. In summary, the available evidence is currently insufficient to determine the role of this variant in disease. Therefore, it has been classified as a Variant of Uncertain Significance. Algorithms developed to predict the effect of missense changes on protein structure and function are either unavailable or do not agree on the potential impact of this missense change (SIFT: "Tolerated"; PolyPhen-2: "Probably Damaging"; Align-GVGD: "Class C0"). This variant is not present in population databases (gnomAD no frequency). This sequence change replaces alanine, which is neutral and non-polar, with valine, which is neutral and non-polar, at codon 151 of the TYRP1 protein (p.Ala151Val).

NM_000550.3(TYRP1):c.452C>T (p.Ala151Val)

Gene: TYRP1 (tyrosinase related protein 1; plus strand). Cytogenetic location: 9p23.
Variant type: single nucleotide variant.
Coding change: c.452C>T on transcript NM_000550.3 (MANE Select); coding-DNA position 452, C replaced by T.
Protein change: p.Ala151Val; replaces alanine 151 with valine.
Molecular consequence: missense variant.
Genome position (GRCh38, 1-based): chr9:12,695,581, C>T. VCF-style: chr9-12695581-C-T. GRCh37 (hg19) VCF-style: chr9-12695581-C-T.
Other names: short protein forms A151V.
Identifiers: ClinVar variation 1715627 (VCV001715627.5), dbSNP rs2537276208, ClinGen allele CA372937102.
Genomic context (GRCh38, chr9:12,695,581, plus strand): 5'-GAAATCTTCTGGACTTAAGTAAAGAAGAAAAGAACCACTTTGTCCGGGCCCTGGATATGG[C>T]AAAGCGCACAACTCACCCTTTATTTGTCATTGCCACCAGGAGATCAGAAGAAATACTGGG-3'
Protein context (NP_000541.1, residues 141-161): KNHFVRALDM[Ala151Val]KRTTHPLFVI